The following is an entry in ClinVar:

ClinVar aggregate classification (germline): Likely pathogenic (1 of 4 stars; one submission).

Conditions:
Intellectual developmental disorder, autosomal dominant 29. Also called: SETBP1 Haploinsufficiency Disorder; Intellectual disability, autosomal dominant 29. Identifiers: Orphanet 436151, MedGen C4015141, MONDO:0014482, OMIM 616078.

Submission:

Institute of Human Genetics, University of Leipzig Medical Center
Classification: Likely pathogenic for Intellectual developmental disorder, autosomal dominant 29. Last evaluated: 2023-02-17. Review status: criteria provided, single submitter. Criteria: ACMG Guidelines, 2015. Collection method: clinical testing. Allele origin: unknown. Affected: yes.
Comment: _x000D_ Criteria applied: PVS1, PM2_SUP

NM_015559.3(SETBP1):c.3725G>A (p.Trp1242Ter)

Gene: SETBP1 (SET binding protein 1; plus strand). Cytogenetic location: 18q12.3.
Variant type: single nucleotide variant.
Coding change: c.3725G>A on transcript NM_015559.3 (MANE Select); coding-DNA position 3725, G replaced by A.
Protein change: p.Trp1242Ter; replaces tryptophan 1242 with a stop codon.
Molecular consequence: nonsense.
Genome position (GRCh38, 1-based): chr18:44,953,065, G>A. VCF-style: chr18-44953065-G-A. GRCh37 (hg19) VCF-style: chr18-42533030-G-A.
Other names: c.3725G>A, p.Trp1242Ter (NM_001379141.1, NM_001379142.1, NM_001410862.1); short protein forms W1242*.
Identifiers: ClinVar variation 2500325 (VCV002500325.1), dbSNP rs2145114867, ClinGen allele CA402325048.